The following is an entry in ClinVar:

ClinVar aggregate classification (germline): Likely pathogenic (1 of 4 stars; one submission).

Conditions:
Aicardi-Goutieres syndrome 5. Identifiers: Orphanet 51, MedGen C2749659, MONDO:0013059, OMIM 612952.

Allele frequency attached by ClinVar (database versions not stated): ExAC 0.00001.

Submissions (2):

Labcorp Genetics (formerly Invitae), Labcorp
Classification: Likely pathogenic for Aicardi-Goutieres syndrome 5. Last evaluated: 2023-11-01. Review status: criteria provided, single submitter. Criteria: Invitae Variant Classification Sherloc (09022015). Collection method: clinical testing. Allele origin: germline.
Comment: This sequence change affects an acceptor splice site in intron 7 of the SAMHD1 gene. It is expected to disrupt RNA splicing. Variants that disrupt the donor or acceptor splice site typically lead to a loss of protein function (PMID: 16199547), and loss-of-function variants in SAMHD1 are known to be pathogenic (PMID: 19525956, 22461318). This variant is present in population databases (rs764423616, gnomAD 0.0009%). This variant has not been reported in the literature in individuals affected with SAMHD1-related conditions. Algorithms developed to predict the effect of sequence changes on RNA splicing suggest that this variant may disrupt the consensus splice site. In summary, the currently available evidence indicates that the variant is pathogenic, but additional data are needed to prove that conclusively. Therefore, this variant has been classified as Likely Pathogenic.

Dr. Peter K. Rogan Lab, Western University
No classification provided (evidence only). Condition: Melanoma. Review status: no classification provided. Collection method: in vitro. Allele origin: not applicable. Functional consequence: retained intron. Not counted in ClinVar's aggregate classification.

Literature cited by the submitters: PubMed 16199547 (cited by Labcorp Genetics (formerly Invitae), Labcorp); PubMed 19525956 (cited by Labcorp Genetics (formerly Invitae), Labcorp); PubMed 22461318 (cited by Labcorp Genetics (formerly Invitae), Labcorp).

NM_015474.4(SAMHD1):c.853-1G>C

Gene: SAMHD1 (SAM and HD domain containing deoxynucleoside triphosphate triphosphohydrolase 1; minus strand). Cytogenetic location: 20q11.23.
Variant type: single nucleotide variant.
Coding change: c.853-1G>C on transcript NM_015474.4 (MANE Select); the canonical splice acceptor site of the intron before coding-DNA position 853, G replaced by C.
Molecular consequence: splice acceptor variant.
Genome position (GRCh38, 1-based): chr20:36,917,050, C>G on the plus strand (G>C on the coding strand, the complement: SAMHD1 is on the minus strand). VCF-style: chr20-36917050-C-G. GRCh37 (hg19) VCF-style: chr20-35545453-C-G.
Other names: c.853-1G>C (NM_001363729.2, NM_001363733.2).
Identifiers: ClinVar variation 2834524 (VCV002834524.4), dbSNP rs764423616, ClinGen allele CA9844633.